The following is an entry in ClinVar:

ClinVar aggregate classification (germline): Conflicting classifications of pathogenicity. Review status: criteria provided, conflicting classifications (1 of 4 stars). 2 submissions from 2 submitters: Likely pathogenic (1); Uncertain significance (1). Last evaluated 2024-10-23.

Conditions:
Mitochondrial hypertrophic cardiomyopathy with lactic acidosis due to MTO1 deficiency. Also called: Combined oxidative phosphorylation deficiency 10; CARDIOMYOPATHY, INFANTILE HYPERTROPHIC MITOCHONDRIAL, AND LACTIC ACIDOSIS. Identifiers: Orphanet 314637, MedGen C4749921, MONDO:0013865, OMIM 614702.

Allele frequency attached by ClinVar (database versions not stated): gnomAD exomes below 0.00001; gnomAD 0.00001.
gnomAD v4.1: 6 of 1,613,994 alleles (0.00037%); highest among the groups gnomAD compares: Non-Finnish European, 0.00051%; no homozygotes.

Submissions (2):

GeneDx
Classification: Likely pathogenic. Last evaluated: 2024-10-23. Review status: criteria provided, single submitter. Criteria: GeneDx Variant Classification Process June 2021. Collection method: clinical testing. Allele origin: germline. Affected: yes.
Comment: Not observed at significant frequency in large population cohorts (gnomAD); In silico analysis supports that this missense variant has a deleterious effect on protein structure/function; This variant is associated with the following publications: (PMID: 29331171, 33258288)

Labcorp Genetics (formerly Invitae), Labcorp
Classification: Uncertain significance for Mitochondrial hypertrophic cardiomyopathy with lactic acidosis due to MTO1 deficiency. Last evaluated: 2022-11-08. Review status: criteria provided, single submitter. Criteria: Invitae Variant Classification Sherloc (09022015). Collection method: clinical testing. Allele origin: germline.
Comment: This sequence change replaces arginine, which is basic and polar, with cysteine, which is neutral and slightly polar, at codon 473 of the MTO1 protein (p.Arg473Cys). In summary, the available evidence is currently insufficient to determine the role of this variant in disease. Therefore, it has been classified as a Variant of Uncertain Significance. Advanced modeling of protein sequence and biophysical properties (such as structural, functional, and spatial information, amino acid conservation, physicochemical variation, residue mobility, and thermodynamic stability) performed at Invitae indicates that this missense variant is expected to disrupt MTO1 protein function. ClinVar contains an entry for this variant (Variation ID: 1708829). This missense change has been observed in individual(s) with clinical features of MTO1 deficiency (PMID: 29331171, 33258288). This variant is not present in population databases (gnomAD no frequency).

Literature cited by the submitters: PubMed 29331171 (cited by Labcorp Genetics (formerly Invitae), Labcorp); PubMed 33258288 (cited by Labcorp Genetics (formerly Invitae), Labcorp).

NM_012123.4(MTO1):c.1417C>T (p.Arg473Cys)

Gene: MTO1 (mitochondrial tRNA translation optimization 1; plus strand). Cytogenetic location: 6q13.
Variant type: single nucleotide variant.
Coding change: c.1417C>T on transcript NM_012123.4 (MANE Select); coding-DNA position 1417, C replaced by T.
Protein change: p.Arg473Cys; replaces arginine 473 with cysteine.
Molecular consequence: missense variant.
Genome position (GRCh38, 1-based): chr6:73,482,196, C>T. VCF-style: chr6-73482196-C-T. GRCh37 (hg19) VCF-style: chr6-74191919-C-T.
Other names: c.1537C>T, p.Arg513Cys (NM_001123226.2); c.1492C>T, p.Arg498Cys (NM_133645.3); short protein forms R473C, R498C, R513C.
Identifiers: ClinVar variation 1708829 (VCV001708829.6), dbSNP rs1175598290, ClinGen allele CA364717210.
Genomic context (GRCh38, chr6:73,482,196, plus strand): 5'-GACCTCACTACTCTGGGCACCAGTGAACCATACCGCATGTTTACCAGCCGAGTAGAGTTC[C>T]GTTTGTCACTGCGCCCTGATAATGCTGACAGCCGGCTCACACTGCGAGGTAACTCTTTCC-3'
Protein context (NP_036255.2, residues 463-483): YRMFTSRVEF[Arg473Cys]LSLRPDNADS